The following is an entry in ClinVar:

NM_016156.6(MTMR2):c.1741A>G (p.Ile581Val)

Gene: MTMR2 (myotubularin related protein 2; minus strand). Cytogenetic location: 11q21.
Variant type: single nucleotide variant.
Coding change: c.1741A>G on transcript NM_016156.6 (MANE Select); coding-DNA position 1741, A replaced by G.
Protein change: p.Ile581Val; replaces isoleucine 581 with valine.
Molecular consequence: missense variant.
Genome position (GRCh38, 1-based): chr11:95,836,177, T>C on the plus strand (A>G on the coding strand, the complement: MTMR2 is on the minus strand). VCF-style: chr11-95836177-T-C. GRCh37 (hg19) VCF-style: chr11-95569341-T-C.
Other names: c.1525A>G, p.Ile509Val (NM_001243571.2, NM_201278.3, NM_201281.3); short protein forms I581V, I509V.
Identifiers: ClinVar variation 543419 (VCV000543419.18), dbSNP rs149476960, ClinGen allele CA6239891.

ClinVar aggregate classification (germline): Conflicting classifications of pathogenicity. Review status: criteria provided, conflicting classifications (1 of 4 stars). 5 submissions from 5 submitters: Uncertain significance (3); Likely benign (2). Last evaluated 2022-09-16.

Conditions:
Charcot-Marie-Tooth disease. Also called: Charcot-Marie-Tooth Neuropathy; Charcot-Marie-Tooth Hereditary Neuropathy. Identifiers: Orphanet 166, MedGen C0007959, MONDO:0015626.
Charcot-Marie-Tooth disease type 4. Also called: Charcot-Marie-Tooth, Type 4; Charcot-Marie-Tooth disease, type IV. Identifiers: Orphanet 64749, MedGen C4082197, MONDO:0018995.
Inborn genetic diseases. Identifiers: MedGen C0950123, MeSH D030342.
Charcot-Marie-Tooth disease type 4B1. Also called: CHARCOT-MARIE-TOOTH DISEASE, AUTOSOMAL RECESSIVE, WITH FOCALLY FOLDED MYELIN SHEATHS, AUTOSOMAL RECESSIVE, TYPE 4B1; CHARCOT-MARIE-TOOTH DISEASE, TYPE 4B; Charcot-Marie-Tooth Neuropathy Type 4B1; CHARCOT-MARIE-TOOTH DISEASE, DEMYELINATING, TYPE 4B1. Identifiers: Orphanet 99955, MedGen C1832399, MONDO:0011066, OMIM 601382.

Allele frequency attached by ClinVar (database versions not stated): TOPMed 0.00008; gnomAD 0.00010 and 0.00011; ESP Exome Variant Server 0.00023.
gnomAD v4.1: 111 of 1,612,804 alleles (0.0069%); highest among the groups gnomAD compares: Middle Eastern, 0.017%; no homozygotes.

Submissions (5):

Ambry Genetics
Classification: Likely benign for Inborn genetic diseases. Last evaluated: 2022-09-16. Review status: criteria provided, single submitter. Criteria: Ambry Variant Classification Scheme 2023. Collection method: clinical testing. Allele origin: germline.

Labcorp Genetics (formerly Invitae), Labcorp
Classification: Uncertain significance for Charcot-Marie-Tooth disease type 4. Last evaluated: 2022-08-02. Review status: criteria provided, single submitter. Criteria: Invitae Variant Classification Sherloc (09022015). Collection method: clinical testing. Allele origin: germline.
Comment: This sequence change replaces isoleucine, which is neutral and non-polar, with valine, which is neutral and non-polar, at codon 581 of the MTMR2 protein (p.Ile581Val). This variant is present in population databases (rs149476960, gnomAD 0.01%). This missense change has been observed in individual(s) with clinical features of Charcot-Marie-Tooth disease (PMID: 32376792). ClinVar contains an entry for this variant (Variation ID: 543419). Algorithms developed to predict the effect of missense changes on protein structure and function output the following: SIFT: "Tolerated"; PolyPhen-2: "Benign"; Align-GVGD: "Class C0". The valine amino acid residue is found in multiple mammalian species, which suggests that this missense change does not adversely affect protein function. Algorithms developed to predict the effect of sequence changes on RNA splicing suggest that this variant may create or strengthen a splice site. In summary, the available evidence is currently insufficient to determine the role of this variant in disease. Therefore, it has been classified as a Variant of Uncertain Significance.

ARUP Laboratories, Molecular Genetics and Genomics, ARUP Laboratories
Classification: Uncertain significance for Charcot-Marie-Tooth disease type 4B1. Last evaluated: 2020-12-02. Review status: criteria provided, single submitter. Criteria: ARUP Molecular Germline Variant Investigation Process 2021. Collection method: clinical testing. Allele origin: germline.
Comment: The MTMR2 c.1741A>G; p.Ile581Val variant (rs149476960), to our knowledge, is not reported in the medical literature or gene specific databases. The variant is listed in the ClinVar database (Variation ID: 543419) and is found in the general population with an overall allele frequency of 0.006% (16/282,470 alleles) in the Genome Aggregation Database. The isoleucine at codon 581 is moderately conserved and computational analyses are uncertain whether this variant is neutral or deleterious (REVEL: 0.275). Due to limited information, the clinical significance of the p.Ile581Val variant is uncertain at this time.

GeneDx
Classification: Uncertain significance. Last evaluated: 2020-01-21. Review status: criteria provided, single submitter. Criteria: GeneDx Variant Classification Process June 2021. Collection method: clinical testing. Allele origin: germline. Affected: yes.
Comment: Not observed at a significant frequency in large population cohorts (Lek et al., 2016); In silico analysis, which includes protein predictors and evolutionary conservation, supports that this variant does not alter protein structure/function; In silico analysis, which includes splice predictors and evolutionary conservation, suggests this variant may impact gene splicing. In the absence of RNA/functional studies, the actual effect of this sequence change is unknown.; Has not been previously published as pathogenic or benign to our knowledge; This variant is associated with the following publications: (PMID: 32376792)

Molecular Genetics Laboratory, London Health Sciences Centre
Classification: Likely benign for Charcot-Marie-Tooth disease. Review status: criteria provided, single submitter. Criteria: ACMG Guidelines, 2015. Collection method: clinical testing. Allele origin: germline. Affected: yes.

Literature cited by the submitters: PubMed 32376792 (cited by Labcorp Genetics (formerly Invitae), Labcorp).